The following is an entry in ClinVar:

NM_000179.3(MSH6):c.4001+39C>G

Gene: MSH6 (mutS homolog 6; plus strand). Cytogenetic location: 2p16.3.
Variant type: single nucleotide variant.
Coding change: c.4001+39C>G on transcript NM_000179.3 (MANE Select); 39 bases into the intron after coding-DNA position 4001, C replaced by G.
Molecular consequence: intron variant.
Genome position (GRCh38, 1-based): chr2:47,806,690, C>G. VCF-style: chr2-47806690-C-G. GRCh37 (hg19) VCF-style: chr2-48033829-C-G.
Other names: c.4001+39C>G (NM_000179.2); c.3095+39C>G (NM_001281493.2, NM_001281494.2); c.3611+39C>G (NM_001281492.2).
Identifiers: ClinVar variation 1697918 (VCV001697918.36), dbSNP rs201482798, ClinGen allele CA072551.

ClinVar aggregate classification (germline): Benign/Likely benign. Review status: criteria provided, multiple submitters, no conflicts (2 of 4 stars). 3 submissions from 3 submitters: Benign (1); Likely benign (1). 1 of the submissions does not count toward it. Last evaluated 2026-02-01.

Conditions:
MSH6-related disorder. Also called: MSH6-related condition; MSH6-Related disorders.

Allele frequency attached by ClinVar (database versions not stated): ExAC 0.00112; gnomAD exomes 0.00112 and 0.00064; 1000 Genomes Project 0.00160; ESP Exome Variant Server 0.00023; gnomAD 0.00063.
gnomAD v4.1: 1,043 of 1,590,312 alleles (0.066%); highest among the groups gnomAD compares: South Asian, 0.56%; 5 homozygotes.

Submissions (3):

CeGaT Center for Human Genetics Tuebingen
Classification: Benign. Last evaluated: 2026-02-01. Review status: criteria provided, single submitter. Criteria: CeGaT Center For Human Genetics Tuebingen Variant Classification Criteria Version 2. Collection method: clinical testing. Allele origin: germline. Affected: yes. Observed: 9 variant alleles.
Comment: MSH6: BP4, BS1, BS2

Center for Genomic Medicine, Rigshospitalet, Copenhagen University Hospital
Classification: Likely benign. Last evaluated: 2025-03-04. Review status: criteria provided, single submitter. Criteria: ACMG Guidelines, 2015. Collection method: clinical testing. Allele origin: germline.

PreventionGenetics, part of Exact Sciences
Classification: Likely benign for MSH6-related condition. Last evaluated: 2022-05-11. Review status: no assertion criteria provided. Collection method: clinical testing. Allele origin: germline. Not counted in ClinVar's aggregate classification.
Comment: This variant is classified as likely benign based on ACMG/AMP sequence variant interpretation guidelines (Richards et al. 2015 PMID: 25741868, with internal and published modifications).